The following is an entry in ClinVar:

ClinVar aggregate classification (germline): Uncertain significance (1 of 4 stars; one submission).

Submission:

Mayo Clinic Laboratories, Mayo Clinic
Classification: Uncertain significance. Last evaluated: 2024-01-25. Review status: criteria provided, single submitter. Criteria: ACMG Guidelines, 2015. Collection method: clinical testing. Allele origin: germline. Observed: 1 variant allele.
Comment: PM1_supporting

NM_000407.5(GP1BB):c.343G>C (p.Asp115His)

Genes: GP1BB (glycoprotein Ib platelet subunit beta; plus strand), SEPT5-GP1BB (SEPT5-GP1BB readthrough; plus strand). Cytogenetic location: 22q11.21.
Variant type: single nucleotide variant.
Coding change: c.343G>C on transcript NM_000407.5 (MANE Select); coding-DNA position 343, G replaced by C.
Protein change: p.Asp115His; replaces aspartic acid 115 with histidine.
Molecular consequence: missense variant. On other transcripts: non-coding transcript variant (2).
Genome position (GRCh38, 1-based): chr22:19,724,186, G>C. VCF-style: chr22-19724186-G-C. GRCh37 (hg19) VCF-style: chr22-19711709-G-C.
Other names: p.Asp115His; short protein forms D115H.
Identifiers: ClinVar variation 3380696 (VCV003380696.1).